The following is an entry in ClinVar:

ClinVar aggregate classification (germline): Likely pathogenic (1 of 4 stars; one submission).

Conditions:
Congenital hyperammonemia, type I. Also called: CPS I DEFICIENCY; Carbamoyl phosphate synthetase 1 deficiency; Hyperammonemia due to carbamoyl phosphate synthetase 1 deficiency; CPS 1 deficiency; Carbamyl phosphate synthetase (CPS) deficiency; Carbamoyl phosphate synthetase I deficiency disease. Identifiers: Orphanet 147, MedGen C4082171, MONDO:0009376, OMIM 237300.

Submission:

Natera, Inc.
Classification: Likely pathogenic for Carbamoyl-phosphate synthase I deficiency. Last evaluated: 2025-04-24. Review status: criteria provided, single submitter. Criteria: Natera Variant Classification Schema (03/2026). Collection method: clinical testing. Allele origin: germline.
Comment: The c.3408del variant in CPS1 is a frameshift variant predicted to shift the reading frame beginning at codon 1137 and leads to a stop codon 3 codons downstream. This variant is expected to result in nonsense mediated decay, truncation, or a dysfunctional protein product. This variant is rare in the general population with a frequency below the threshold expected for the associated phenotype(s). Given the available evidence, this variant is classified as Likely Pathogenic.

NM_001875.5(CPS1):c.3408del (p.Ser1137fs)

Gene: CPS1 (carbamoyl-phosphate synthase 1; plus strand). Cytogenetic location: 2q34.
Variant type: Deletion.
Coding change: c.3408del on transcript NM_001875.5 (MANE Select); coding-DNA position 3408, one base deleted (G; older notation c.3408delG).
Protein change: p.Ser1137fs; shifts the reading frame from serine 1137.
Molecular consequence: frameshift variant. On other transcripts: non-coding transcript variant (2).
Genome position (GRCh38, 1-based): chr2:210,650,366, G deleted; the last of 3 consecutive G bases (chr2:210,650,364-210,650,366); deleting any one gives the same sequence. VCF-style (leftmost placement, unchanged base first): chr2-210650363-TG-T. GRCh37 (hg19) VCF-style: chr2-211515087-TG-T.
Other names: c.3408del, p.Ser1137fs (NM_001122633.3, NM_001369257.1); c.3441del, p.Ser1148fs (NM_001369256.1); c.3408delG, p.Ser1137Leufs (NM_001875.4); short protein forms S1137fs, S1148fs.
Identifiers: ClinVar variation 4065314 (VCV004065314.2).